The following is an entry in ClinVar:

NM_032785.4(AGBL4):c.426T>C (p.His142=)

Gene: AGBL4 (AGBL carboxypeptidase 4; minus strand). Cytogenetic location: 1p33.
Variant type: single nucleotide variant.
Coding change: c.426T>C on transcript NM_032785.4 (MANE Select); coding-DNA position 426, T replaced by C.
Protein change: p.His142=; no amino-acid change (histidine 142 retained).
Molecular consequence: synonymous variant. On other transcripts: non-coding transcript variant (1).
Genome position (GRCh38, 1-based): chr1:49,045,752, A>G on the plus strand (T>C on the coding strand, the complement: AGBL4 is on the minus strand). VCF-style: chr1-49045752-A-G. GRCh37 (hg19) VCF-style: chr1-49511424-A-G.
Other names: c.462T>C, p.His154= (NM_001323573.2, NM_001323574.2); c.426T>C, p.His142= (NM_001323575.2).
Identifiers: ClinVar variation 3060380 (VCV003060380.2), dbSNP rs3934240, ClinGen allele CA845160.

ClinVar aggregate classification (germline): Benign (0 of 4 stars; one submission).

Conditions:
AGBL4-related disorder. Also called: AGBL4-related condition.

Allele frequency attached by ClinVar (database versions not stated): ESP Exome Variant Server 0.17652; TOPMed 0.17986; gnomAD 0.18479; 1000 Genomes Project 30x 0.21971; 1000 Genomes Project 0.22504; gnomAD exomes 0.22517; ExAC 0.22885.
gnomAD v4.1: 343,367 of 1,551,532 alleles (22%); highest among the groups gnomAD compares: East Asian, 38%; 40,028 homozygotes.

Submission:

PreventionGenetics, part of Exact Sciences
Classification: Benign for AGBL4-related condition. Last evaluated: 2019-10-17. Review status: no assertion criteria provided. Collection method: clinical testing. Allele origin: germline.
Comment: This variant is classified as benign based on ACMG/AMP sequence variant interpretation guidelines (Richards et al. 2015 PMID: 25741868, with internal and published modifications).